The following is an entry in ClinVar:

NM_004380.3(CREBBP):c.6594GCA[2] (p.Gln2214_Gln2216del)

Gene: CREBBP (CREB binding lysine acetyltransferase; minus strand). Cytogenetic location: 16p13.3.
Variant type: Microsatellite.
Coding change: c.6594GCA[2] on transcript NM_004380.3 (MANE Select); two copies in a row of the 3-base unit GCA starting at c.6594; the reference has five copies in a row; three copies, 9 bases deleted.
Protein change: p.Gln2214_Gln2216del.
Molecular consequence: inframe deletion.
Genome position (GRCh38, 1-based): chr16:3,728,439-3,728,447, TGCTGCTGC deleted on the plus strand (GCAGCAGCA on the coding strand, the reverse complement: CREBBP is on the minus strand); deleting any 9 consecutive bases within chr16:3,728,439-3,728,453 gives the same sequence; the position shown is the placement nearest the transcript's 3' end. VCF-style (leftmost placement, unchanged base first): chr16-3728438-TTGCTGCTGC-T. GRCh37 (hg19) VCF-style: chr16-3778439-TTGCTGCTGC-T.
Other names: c.6480GCA[2], p.Gln2176_Gln2178del (NM_001079846.1); c.6600_6608del9 (NM_004380.2).
Identifiers: ClinVar variation 1188367 (VCV001188367.19), dbSNP rs746121736, ClinGen allele CA7869067.

ClinVar aggregate classification (germline): Conflicting classifications of pathogenicity. Review status: criteria provided, conflicting classifications (1 of 4 stars). 6 submissions from 6 submitters: Uncertain significance (2); Likely benign (3). 1 of the submissions does not count toward it. Last evaluated 2025-12-23.

Conditions:
CREBBP-related disorder. Also called: CREBBP-related condition; CREBBP-related disorders.
Rubinstein-Taybi syndrome (RSTS). Identifiers: Orphanet 783, MedGen C0035934, MONDO:0019188.

Submissions (6):

Labcorp Genetics (formerly Invitae), Labcorp
Classification: Uncertain significance for Rubinstein-Taybi syndrome. Last evaluated: 2025-12-23. Review status: criteria provided, single submitter. Criteria: Invitae Variant Classification Sherloc (09022015). Collection method: clinical testing. Allele origin: germline.
Comment: This variant, c.6600_6608del, results in the deletion of 3 amino acid(s) of the CREBBP protein (p.Gln2214_Gln2216del), but otherwise preserves the integrity of the reading frame. The frequency data for this variant in the population databases is considered unreliable, as metrics indicate poor data quality at this position in the gnomAD database. This variant has not been reported in the literature in individuals affected with CREBBP-related conditions. Experimental studies and prediction algorithms are not available or were not evaluated, and the functional significance of this variant is currently unknown. In summary, the available evidence is currently insufficient to determine the role of this variant in disease. Therefore, it has been classified as a Variant of Uncertain Significance.

CeGaT Center for Human Genetics Tuebingen
Classification: Likely benign. Last evaluated: 2025-10-01. Review status: criteria provided, single submitter. Criteria: CeGaT Center For Human Genetics Tuebingen Variant Classification Criteria Version 2. Collection method: clinical testing. Allele origin: germline. Affected: yes. Observed: 2 variant alleles.
Comment: CREBBP: BS2

Laboratory of Genetics, Children's Clinical University Hospital Latvia
Classification: Likely benign. Last evaluated: 2025-02-16. Review status: criteria provided, single submitter. Criteria: ACMG Guidelines, 2015. Collection method: clinical testing. Allele origin: germline. Affected: yes.

Blueprint Genetics
Classification: Likely benign. Last evaluated: 2024-06-27. Review status: criteria provided, single submitter. Criteria: ACMG Guidelines, 2015. Collection method: clinical testing. Allele origin: germline.

GeneDx
Classification: Uncertain significance. Last evaluated: 2021-03-08. Review status: criteria provided, single submitter. Criteria: GeneDx Variant Classification Process June 2021. Collection method: clinical testing. Allele origin: germline. Affected: yes.
Comment: Has not been previously published as pathogenic or benign to our knowledge; In silico analysis, which includes protein predictors and evolutionary conservation, supports a deleterious effect

PreventionGenetics, part of Exact Sciences
Classification: Likely benign for CREBBP-related condition. Last evaluated: 2021-07-07. Review status: no assertion criteria provided. Collection method: clinical testing. Allele origin: germline. Not counted in ClinVar's aggregate classification.
Comment: This variant is classified as likely benign based on ACMG/AMP sequence variant interpretation guidelines (Richards et al. 2015 PMID: 25741868, with internal and published modifications).